The following is an entry in ClinVar:

NM_178857.6(RP1L1):c.4984T>G (p.Cys1662Gly)

Gene: RP1L1 (RP1 like 1). Cytogenetic location: 8p23.1.
Variant type: single nucleotide variant.
Coding change: c.4984T>G on transcript NM_178857.6 (MANE Select); coding-DNA position 4984, T replaced by G.
Protein change: p.Cys1662Gly; replaces cysteine 1662 with glycine.
Molecular consequence: missense variant.
Genome position (GRCh38, 1-based): chr8:10,609,114, A>C on the plus strand (T>G on the coding strand, the complement: RP1L1 is on the minus strand). VCF-style: chr8-10609114-A-C. GRCh37 (hg19) VCF-style: chr8-10466624-A-C.
Other names: short protein forms C1662G.
Identifiers: ClinVar variation 5017896 (VCV005017896.1).
Genomic context (GRCh38, chr8:10,609,114, plus strand): 5'-GACCTCTGGTTGCCCCCATTGTGGCCTTGGGGGACATAGGGCTCACTTTCTTCCTCACGC[A>C]GGCCTCGCAGGGACAGAACTCCTCCCCCTCCGCCTCCTCGCCCAGCTGGCTCCCCAGGGC-3'
Protein context (NP_849188.4, residues 1652-1672): EGEEFCPCEA[Cys1662Gly]VRKKVSPMSP

ClinVar aggregate classification (germline): Uncertain significance (1 of 4 stars; one submission).

Submission:

GeneDx
Classification: Uncertain significance. Last evaluated: 2026-04-01. Review status: criteria provided, single submitter. Criteria: GeneDx Variant Classification Process June 2021. Collection method: clinical testing. Allele origin: germline.
Comment: Not observed at significant frequency in large population cohorts (gnomAD); In silico analysis supports that this missense variant has a deleterious effect on protein structure/function; Has not been previously published as pathogenic or benign to our knowledge